The following is an entry in ClinVar:

ClinVar aggregate classification (germline): Likely pathogenic. Review status: criteria provided, single submitter (1 of 4 stars). 3 submissions from 3 submitters: Likely pathogenic (1). 2 of the submissions do not count toward it. Last evaluated 2025-08-04.

Conditions:
HEMOGLOBIN SUAN-DOK.
alpha Thalassemia. Also called: Alpha thalassemia spectrum. Identifiers: Orphanet 846, MedGen C0002312, MONDO:0011399, OMIM 604131.

Submissions (3):

Natera, Inc.
Classification: Likely pathogenic for Alpha thalassemia. Last evaluated: 2025-08-04. Review status: criteria provided, single submitter. Criteria: Natera Variant Classification Schema (03/2026). Collection method: clinical testing. Allele origin: germline.
Comment: The c.329T>G variant in HBA2 is a missense variant predicted to cause substitution of leucine to arginine at amino acid 110. This variant is rare in the general population with a frequency below the threshold expected for the associated phenotype(s). This variant has been observed in one or more individuals affected with the associated recessive disease, as either homozygous or compound heterozygous with a second variant (PMID: 18654893). Additionally, this variant has been observed to segregate in affected family members (PMID: 18654893). Computational prediction algorithms indicate this variant is likely to affect gene or protein function. Given the available evidence, this variant is classified as Likely Pathogenic.

The ITHANET community portal, The Cyprus Institute of Neurology and Genetics
Classification: Pathogenic for alpha Thalassemia. Last evaluated: 2019-11-25. Review status: no assertion criteria provided. Collection method: curation. Allele origin: germline. Not counted in ClinVar's aggregate classification.

OMIM
Classification: other for HEMOGLOBIN SUAN-DOK. Last evaluated: 2013-03-28. Review status: no assertion criteria provided. Collection method: literature only. Allele origin: germline. Not counted in ClinVar's aggregate classification.

Literature cited by the submitters: PubMed 18654893 (cited by Natera, Inc. and The ITHANET community portal, The Cyprus Institute of Neurology and Genetics); PubMed 478977 (cited by OMIM); PubMed 2384313 (cited by OMIM); PubMed 2265255 (cited by OMIM); PubMed 15481883 (cited by OMIM).

NM_000517.6(HBA2):c.329T>G (p.Leu110Arg)

Genes: HBA2 (hemoglobin subunit alpha 2; plus strand), LOC106804612 (hemoglobin subunit alpha 2 recombination region; plus strand). Cytogenetic location: 16p13.3.
Variant type: single nucleotide variant.
Coding change: c.329T>G on transcript NM_000517.6 (MANE Select); coding-DNA position 329, T replaced by G.
Protein change: p.Leu110Arg; replaces leucine 110 with arginine.
Molecular consequence: missense variant.
Genome position (GRCh38, 1-based): chr16:173,500, T>G. VCF-style: chr16-173500-T-G. GRCh37 (hg19) VCF-style: chr16-223499-T-G.
Other names: L109R; CD 109 CTG>CGG [Leu>Arg]; c.329T>G (NM_000517.5); short protein forms L110R.
Identifiers: ClinVar variation 15632 (VCV000015632.4), dbSNP rs41479844, ClinGen allele CA125561.